The following is an entry in ClinVar:

ClinVar aggregate classification (germline): Likely benign. Review status: criteria provided, multiple submitters, no conflicts (2 of 4 stars). 2 submissions from 2 submitters: Likely benign (2). Last evaluated 2024-09-10.

Conditions:
Congenital afibrinogenemia. Identifiers: Orphanet 335, Orphanet 98880, MedGen C2584774, MONDO:0008737, OMIM 202400.

Allele frequency attached by ClinVar (database versions not stated): gnomAD 0.00011 and 0.00016; TOPMed 0.00020; gnomAD exomes 0.00023 and 0.00044; ExAC 0.00049; 1000 Genomes Project 30x 0.00094; 1000 Genomes Project 0.00100.
gnomAD v4.1: 364 of 1,603,154 alleles (0.023%); highest among the groups gnomAD compares: East Asian, 0.75%; 1 homozygote.

Submissions (2):

Women's Health and Genetics/Laboratory Corporation of America, LabCorp
Classification: Likely benign. Last evaluated: 2024-09-10. Review status: criteria provided, single submitter. Criteria: LabCorp Variant Classification Summary - May 2015. Collection method: clinical testing. Allele origin: germline.
Comment: Variant summary: FGB c.510T>A (p.Asn170Lys) results in a non-conservative amino acid change located in the Fibrinogen, alpha/beta/gamma chain, coiled coil domain (IPR012290) of the encoded protein sequence. Four of five in-silico tools predict a benign effect of the variant on protein function. The variant allele was found at a frequency of 0.00044 in 250750 control chromosomes, predominantly at a frequency of 0.0059 within the East Asian subpopulation in the gnomAD database. The observed variant frequency within East Asian control individuals in the gnomAD database exceeds the estimated maximal expected allele frequency for a pathogenic variant in FGB causing Afibrinogenemia, Congenital phenotype. c.510T>A has been reported in the literature in individuals affected with Afibrinogenemia, Congenital and congenital dyskeratosis (Yoda_2020, Huang_2021, He_2019). These report(s) do not provide unequivocal conclusions about association of the variant with Afibrinogenemia, Congenital. At least one publication reports experimental evidence evaluating an impact on protein function. The most pronounced variant effect results in about 75% delayed aggregation of protofibrils during fibrin assembly (Yoda_2020). The following publications have been ascertained in the context of this evaluation (PMID: 31119896, 34455742, 32871307). ClinVar contains an entry for this variant (Variation ID: 901958). Based on the evidence outlined above, the variant was classified as likely benign.

Illumina Laboratory Services, Illumina
Classification: Likely benign for Congenital afibrinogenemia. Last evaluated: 2017-04-27. Review status: criteria provided, single submitter. Criteria: ICSL Variant Classification Criteria 13 December 2019. Collection method: clinical testing. Allele origin: germline.
Comment: This variant was observed as part of a predisposition screen in an ostensibly healthy population. A literature search was performed for the gene, cDNA change, and amino acid change (where applicable). No publications were found based on this search. Allele frequency data from public databases allowed determination this variant is unlikely to cause disease. Therefore, this variant is classified as likely benign.

Literature cited by the submitters: PubMed 31119896 (cited by Women's Health and Genetics/Laboratory Corporation of America, LabCorp); PubMed 34455742 (cited by Women's Health and Genetics/Laboratory Corporation of America, LabCorp); PubMed 32871307 (cited by Women's Health and Genetics/Laboratory Corporation of America, LabCorp).

NM_005141.5(FGB):c.510T>A (p.Asn170Lys)

Gene: FGB (fibrinogen beta chain; plus strand). Cytogenetic location: 4q31.3.
Variant type: single nucleotide variant.
Coding change: c.510T>A on transcript NM_005141.5 (MANE Select); coding-DNA position 510, T replaced by A.
Protein change: p.Asn170Lys; replaces asparagine 170 with lysine.
Molecular consequence: missense variant.
Genome position (GRCh38, 1-based): chr4:154,567,612, T>A. VCF-style: chr4-154567612-T-A. GRCh37 (hg19) VCF-style: chr4-155488764-T-A.
Other names: c.333T>A, p.Asn111Lys (NM_001184741.1); short protein forms N170K, N111K.
Identifiers: ClinVar variation 901958 (VCV000901958.5), dbSNP rs149963684, ClinGen allele CA3114556.
Genomic context (GRCh38, chr4:154,567,612, plus strand): 5'-GCAAAAATGCTAACTATTTCTACATAATTTCATTTTTCCAGATAATGAAAATGTAGTCAA[T>A]GAGTACTCCTCAGAACTGGAAAAGCACCAATTATATATAGATGAGACTGTGAATAGCAAT-3'
Protein context (NP_005132.2, residues 160-180): KQVKDNENVV[Asn170Lys]EYSSELEKHQ